The following is an entry in ClinVar:

ClinVar aggregate classification (germline): Uncertain significance (1 of 4 stars; one submission).

Conditions:
Ullrich congenital muscular dystrophy 2 (UCMD2). Identifiers: Orphanet 75840, MedGen C4225314, MONDO:0014654, OMIM 616470.
Bethlem myopathy 2 (BTHLM2). Identifiers: Orphanet 536516, Orphanet 610, MedGen C4225313, MONDO:0034022, OMIM 616471.

gnomAD v4.1: 4 of 1,610,664 alleles (0.00025%); highest among the groups gnomAD compares: South Asian, 0.0011%; no homozygotes.

Submission:

Labcorp Genetics (formerly Invitae), Labcorp
Classification: Uncertain significance for Bethlem myopathy 2; Ullrich congenital muscular dystrophy 2. Last evaluated: 2025-12-16. Review status: criteria provided, single submitter. Criteria: Invitae Variant Classification Sherloc (09022015). Collection method: clinical testing. Allele origin: germline.
Comment: This sequence change replaces isoleucine, which is neutral and non-polar, with valine, which is neutral and non-polar, at codon 3034 of the COL12A1 protein (p.Ile3034Val). This variant is present in population databases (rs573530946, gnomAD 0.003%). This variant has not been reported in the literature in individuals affected with COL12A1-related conditions. An algorithm developed to predict the effect of missense changes on protein structure and function outputs the following: PolyPhen-2: "Benign". The valine amino acid residue is found in multiple mammalian species, which suggests that this missense change does not adversely affect protein function. In summary, the available evidence is currently insufficient to determine the role of this variant in disease. Therefore, it has been classified as a Variant of Uncertain Significance.

NM_004370.6(COL12A1):c.9100A>G (p.Ile3034Val)

Gene: COL12A1 (collagen type XII alpha 1 chain; minus strand). Cytogenetic location: 6q13.
Variant type: single nucleotide variant.
Coding change: c.9100A>G on transcript NM_004370.6 (MANE Select); coding-DNA position 9100, A replaced by G.
Protein change: p.Ile3034Val; replaces isoleucine 3034 with valine.
Molecular consequence: missense variant.
Genome position (GRCh38, 1-based): chr6:75,087,658, T>C on the plus strand (A>G on the coding strand, the complement: COL12A1 is on the minus strand). VCF-style: chr6-75087658-T-C. GRCh37 (hg19) VCF-style: chr6-75797374-T-C.
Other names: c.9100A>G, p.Ile3034Val (NM_001424113.1); c.9079A>G, p.Ile3027Val (NM_001424114.1); c.8827A>G, p.Ile2943Val (NM_001424115.1); c.5608A>G, p.Ile1870Val (NM_001424116.1, NM_080645.3); short protein forms I1870V, I2943V, I3027V, I3034V.
Identifiers: ClinVar variation 4794196 (VCV004794196.1).
Genomic context (GRCh38, chr6:75,087,658, plus strand): 5'-ATGGGATGCTGGCACACTGAGAAGAATCACAGTATCCAGGAGGACCTGGGGGTCCTCGGA[T>C]ACCTGAGTTTCCAGGACGGCCAGGGGGGCCAGGGGGACCTCTTGAACCTGTGGACCCTGG-3'
Protein context (NP_004361.3, residues 3024-3044): GPPGRPGNSG[Ile3034Val]RGPPGPPGYC